The following is an entry in ClinVar:

Conditions:
Arteriohepatic dysplasia. Also called: Alagille Syndrome. Identifiers: Orphanet 52, MedGen C0085280, MeSH D016738, MONDO:0007318.

Submission:

Gilbert/Spinner Lab, Children's Hospital of Philadelphia
No classification provided (evidence only). Condition: Alagille syndrome. Review status: no classification provided. Collection method: research. Allele origin: not applicable. Functional consequence: functionally_abnormal.
ClinVar note: "not provided" was previously submitted as the classification for the variant. However, the classification appeared to be based only on an observation of functional data so it was converted to no classification on 2025-07-30.

NM_000214.3(JAG1):c.501G>T (p.Trp167Cys)

Gene: JAG1 (jagged canonical Notch ligand 1; minus strand). Cytogenetic location: 20p12.2.
Variant type: single nucleotide variant.
Coding change: c.501G>T on transcript NM_000214.3 (MANE Select); coding-DNA position 501, G replaced by T.
Protein change: p.Trp167Cys; replaces tryptophan 167 with cysteine.
Molecular consequence: missense variant.
Genome position (GRCh38, 1-based): chr20:10,658,661, C>A on the plus strand (G>T on the coding strand, the complement: JAG1 is on the minus strand). VCF-style: chr20-10658661-C-A. GRCh37 (hg19) VCF-style: chr20-10639309-C-A.
Other names: short protein forms W167C.
Identifiers: ClinVar variation 3573043 (VCV003573043.2).